The following is an entry in ClinVar:

NM_000152.5(GAA):c.2500A>G (p.Thr834Ala)

Gene: GAA (alpha glucosidase; plus strand). Cytogenetic location: 17q25.3.
Variant type: single nucleotide variant.
Coding change: c.2500A>G on transcript NM_000152.5 (MANE Select); coding-DNA position 2500, A replaced by G.
Protein change: p.Thr834Ala; replaces threonine 834 with alanine.
Molecular consequence: missense variant.
Genome position (GRCh38, 1-based): chr17:80,118,211, A>G. VCF-style: chr17-80118211-A-G. GRCh37 (hg19) VCF-style: chr17-78092010-A-G.
Other names: c.2500A>G, p.Thr834Ala (NM_001079803.3, NM_001079804.3, NM_001406741.1 and 1 more transcripts); short protein forms T834A.
Identifiers: ClinVar variation 4772314 (VCV004772314.1).
Genomic context (GRCh38, chr17:80,118,211, plus strand): 5'-CCAGGGTGGGGATGATGACATCACGTGTCCTTCCCTTTCCAGGGCCCTGGCCTCACAACC[A>G]CAGAGTCCCGCCAGCAGCCCATGGCCCTGGCTGTGGCCCTGACCAAGGGTGGGGAGGCCC-3'
Protein context (NP_000143.2, residues 824-844): IPLQGPGLTT[Thr834Ala]ESRQQPMALA

ClinVar aggregate classification (germline): Uncertain significance (1 of 4 stars; one submission).

Conditions:
Glycogen storage disease, type II (IOPD). Also called: CARDIOMEGALIA GLYCOGENICA DIFFUSA; GLYCOGENOSIS, GENERALIZED, CARDIAC FORM; GSD II; Glycogen storage disease type 2; Acid maltase deficiency disease; Aglucosidase alfa. Identifiers: Orphanet 365, MedGen C0017921, MONDO:0009290, OMIM 232300.

Submission:

Labcorp Genetics (formerly Invitae), Labcorp
Classification: Uncertain significance for Glycogen storage disease, type II. Last evaluated: 2025-03-11. Review status: criteria provided, single submitter. Criteria: Invitae Variant Classification Sherloc (09022015). Collection method: clinical testing. Allele origin: germline.
Comment: This sequence change replaces threonine, which is neutral and polar, with alanine, which is neutral and non-polar, at codon 834 of the GAA protein (p.Thr834Ala). This variant is not present in population databases (gnomAD no frequency). This variant has not been reported in the literature in individuals affected with GAA-related conditions. Invitae Evidence Modeling of protein sequence and biophysical properties (such as structural, functional, and spatial information, amino acid conservation, physicochemical variation, residue mobility, and thermodynamic stability) indicates that this missense variant is not expected to disrupt GAA protein function with a negative predictive value of 95%. In summary, the available evidence is currently insufficient to determine the role of this variant in disease. Therefore, it has been classified as a Variant of Uncertain Significance.